The following is an entry in ClinVar:

ClinVar aggregate classification (germline): Benign/Likely benign. Review status: criteria provided, multiple submitters, no conflicts (2 of 4 stars). 4 submissions from 4 submitters: Benign (1); Likely benign (2). 1 of the submissions does not count toward it. Last evaluated 2026-05-12.

Conditions:
Holoprosencephaly 9 (HPE9). Also called: PITUITARY ANOMALIES WITH HOLOPROSENCEPHALY-LIKE FEATURES; HOLOPROSENCEPHALY WITH MICROPHTHALMIA AND FIRST BRANCHIAL ARCH ANOMALIES. Identifiers: Orphanet 2162, MedGen C1835819, MONDO:0012563, OMIM 610829.
Postaxial polydactyly-anterior pituitary anomalies-facial dysmorphism syndrome. Also called: Culler-Jones syndrome. Identifiers: Orphanet 420584, MedGen C4014479, MONDO:0014369, OMIM 615849.
GLI2-related disorder. Also called: GLI2-related condition; GLI2-related disorders.

Allele frequency attached by ClinVar (database versions not stated): ExAC 0.00032; gnomAD 0.00075 and 0.00076; ESP Exome Variant Server 0.00077; TOPMed 0.00085; 1000 Genomes Project 0.00180; 1000 Genomes Project 30x 0.00203.

Submissions (4):

Women's Health and Genetics/Laboratory Corporation of America, LabCorp
Classification: Likely benign. Last evaluated: 2026-05-12. Review status: criteria provided, single submitter. Criteria: LabCorp Variant Classification Summary - May 2015. Collection method: clinical testing. Allele origin: germline.

Labcorp Genetics (formerly Invitae), Labcorp
Classification: Benign for Postaxial polydactyly-anterior pituitary anomalies-facial dysmorphism syndrome; Holoprosencephaly 9. Last evaluated: 2025-07-30. Review status: criteria provided, single submitter. Criteria: Invitae Variant Classification Sherloc (09022015). Collection method: clinical testing. Allele origin: germline.

Blueprint Genetics
Classification: Likely benign. Last evaluated: 2021-09-09. Review status: criteria provided, single submitter. Criteria: ACMG Guidelines, 2015. Collection method: clinical testing. Allele origin: germline.

PreventionGenetics, part of Exact Sciences
Classification: Likely benign for GLI2-related condition. Last evaluated: 2022-12-27. Review status: no assertion criteria provided. Collection method: clinical testing. Allele origin: germline. Not counted in ClinVar's aggregate classification.
Comment: This variant is classified as likely benign based on ACMG/AMP sequence variant interpretation guidelines (Richards et al. 2015 PMID: 25741868, with internal and published modifications).

NM_001374353.1(GLI2):c.1533C>T (p.Thr511=)

Gene: GLI2 (GLI family zinc finger 2; plus strand). Cytogenetic location: 2q14.2.
Variant type: single nucleotide variant.
Coding change: c.1533C>T on transcript NM_001374353.1 (MANE Select); coding-DNA position 1533, C replaced by T.
Protein change: p.Thr511=; no amino-acid change (threonine 511 retained).
Molecular consequence: synonymous variant.
Genome position (GRCh38, 1-based): chr2:120,982,781, C>T. VCF-style: chr2-120982781-C-T. GRCh37 (hg19) VCF-style: chr2-121740357-C-T.
Other names: c.1584C>T, p.Thr528= (NM_001371271.1, NM_005270.5); c.1158C>T, p.Thr386= (NM_001374354.1).
Identifiers: ClinVar variation 766916 (VCV000766916.14), dbSNP rs137960978, ClinGen allele CA1851952.
Genomic context (GRCh38, chr2:120,982,781, plus strand): 5'-GGGCTGCTCGAAGGCCTACTCCCGCCTGGAGAACCTGAAGACACACCTGCGGTCCCACAC[C>T]GGGGAGAAGCCATATGTGTGTGAGCACGAGGGCTGCAACAAAGCCTTCTCCAACGCCTCG-3'
Protein context (NP_001361282.1, residues 501-521): ENLKTHLRSH[Thr511=]GEKPYVCEHE